The following is an entry in ClinVar:

NM_001114753.3(ENG):c.266G>C (p.Gly89Ala)

Gene: ENG (endoglin; minus strand). Cytogenetic location: 9q34.11.
Variant type: single nucleotide variant.
Coding change: c.266G>C on transcript NM_001114753.3 (MANE Select); coding-DNA position 266, G replaced by C.
Protein change: p.Gly89Ala; replaces glycine 89 with alanine.
Molecular consequence: missense variant. On other transcripts: 5 prime UTR variant (1).
Genome position (GRCh38, 1-based): chr9:127,829,781, C>G on the plus strand (G>C on the coding strand, the complement: ENG is on the minus strand). VCF-style: chr9-127829781-C-G. GRCh37 (hg19) VCF-style: chr9-130592060-C-G.
Other names: c.266G>C, p.Gly89Ala (NM_000118.4, NM_001406715.1); c.-281G>C (NM_001278138.2); c.266G>C (NM_001114753.1); short protein forms G89A.
Identifiers: ClinVar variation 2865901 (VCV002865901.3), dbSNP rs991496252, ClinGen allele CA200315450.
Genomic context (GRCh38, chr9:127,829,781, plus strand): 5'-AGATGCAGGAAGACACTGCTGTTTACACTGAGGACCAGAAGCACCTCTCGGGGCCAGGTG[C>G]CATTTTGCTTGGATGCCTGGAGAGTCAGCTCCAGCTGTGACGGGCCCTGGGGGACACAGA-3'
Protein context (NP_001108225.1, residues 79-99): ELTLQASKQN[Gly89Ala]TWPREVLLVL

ClinVar aggregate classification (germline): Uncertain significance. Review status: criteria provided, multiple submitters, no conflicts (2 of 4 stars). 2 submissions from 2 submitters: Uncertain significance (2). Last evaluated 2026-01-16.

Conditions:
Hereditary hemorrhagic telangiectasia (HHT). Also called: ORW DISEASE; Osler Weber Rendu syndrome; OSLER-RENDU-WEBER DISEASE; Osler hemorrhagic telangiectasia syndrome. Identifiers: Orphanet 774, MedGen C0039445, MONDO:0019180. Disease mechanism: loss of function.
Cardiovascular phenotype. Identifiers: MedGen CN230736.

Allele frequency attached by ClinVar (database versions not stated): gnomAD 0.00001; TOPMed 0.00002.
gnomAD v4.1: 3 of 1,614,006 alleles (0.00019%); highest among the groups gnomAD compares: African/African-American, 0.004%; no homozygotes.

Submissions (2):

Ambry Genetics
Classification: Uncertain significance for Cardiovascular phenotype. Last evaluated: 2026-01-16. Review status: criteria provided, single submitter. Criteria: Ambry Variant Classification Scheme 2023. Collection method: clinical testing. Allele origin: germline.
Comment: The p.G89A variant (also known as c.266G>C), located in coding exon 3 of the ENG gene, results from a G to C substitution at nucleotide position 266. The glycine at codon 89 is replaced by alanine, an amino acid with similar properties. This amino acid position is conserved. In addition, this alteration is predicted to be tolerated by in silico analysis. Based on the available evidence, the clinical significance of this variant remains unclear.

Labcorp Genetics (formerly Invitae), Labcorp
Classification: Uncertain significance for Hereditary hemorrhagic telangiectasia. Last evaluated: 2023-12-11. Review status: criteria provided, single submitter. Criteria: Invitae Variant Classification Sherloc (09022015). Collection method: clinical testing. Allele origin: germline.
Comment: This sequence change replaces glycine, which is neutral and non-polar, with alanine, which is neutral and non-polar, at codon 89 of the ENG protein (p.Gly89Ala). This variant is not present in population databases (gnomAD no frequency). This variant has not been reported in the literature in individuals affected with ENG-related conditions. Advanced modeling of protein sequence and biophysical properties (such as structural, functional, and spatial information, amino acid conservation, physicochemical variation, residue mobility, and thermodynamic stability) performed at Invitae indicates that this missense variant is not expected to disrupt ENG protein function with a negative predictive value of 80%. In summary, the available evidence is currently insufficient to determine the role of this variant in disease. Therefore, it has been classified as a Variant of Uncertain Significance.